The following is an entry in ClinVar:

ClinVar aggregate classification (germline): Uncertain significance. Review status: criteria provided, multiple submitters, no conflicts (2 of 4 stars). 3 submissions from 3 submitters: Uncertain significance (3). Last evaluated 2025-04-11.

Conditions:
Brugada syndrome 5 (BRGDA5). Identifiers: Orphanet 130, Orphanet 871, MedGen C2748541, MONDO:0013015, OMIM 612838.

gnomAD v4.1: 8 of 1,552,016 alleles (0.00052%); highest among the groups gnomAD compares: Admixed American, 0.014%; no homozygotes.

Submissions (3):

Labcorp Genetics (formerly Invitae), Labcorp
Classification: Uncertain significance for Brugada syndrome 5. Last evaluated: 2025-04-11. Review status: criteria provided, single submitter. Criteria: Invitae Variant Classification Sherloc (09022015). Collection method: clinical testing. Allele origin: germline.
Comment: This sequence change creates a premature translational stop signal (p.Tyr228*) in the SCN1B gene. While this is not anticipated to result in nonsense mediated decay, it is expected to disrupt the last 41 amino acid(s) of the SCN1B protein. This variant is present in population databases (no rsID available, gnomAD 0.03%). This variant has not been reported in the literature in individuals affected with SCN1B-related conditions. ClinVar contains an entry for this variant (Variation ID: 945109). Experimental studies and prediction algorithms are not available or were not evaluated, and the functional significance of this variant is currently unknown. In summary, the available evidence is currently insufficient to determine the role of this variant in disease. Therefore, it has been classified as a Variant of Uncertain Significance.

GeneDx
Classification: Uncertain significance. Last evaluated: 2022-10-24. Review status: criteria provided, single submitter. Criteria: GeneDx Variant Classification Process June 2021. Collection method: clinical testing. Allele origin: germline. Affected: yes.
Comment: Reported using an alternate transcript of the gene; Nonsense variant predicted to result in protein truncation as the last 41 amino acids are lost, although loss-of-function variants have not been reported downstream of this position in the protein; Has not been previously published as pathogenic or benign to our knowledge

Baylor Genetics
Classification: Uncertain significance for Brugada syndrome 5. Last evaluated: 2019-02-06. Review status: criteria provided, single submitter. Criteria: ACMG Guidelines, 2015. Collection method: clinical testing. Allele origin: paternal. Affected: yes.
Comment: This variant was determined to be of uncertain significance according to ACMG Guidelines, 2015 [PMID:25741868].

NM_001037.5(SCN1B):c.448+236C>G

Gene: SCN1B (sodium voltage-gated channel beta subunit 1; plus strand). Cytogenetic location: 19q13.11.
Variant type: single nucleotide variant.
Coding change: c.448+236C>G on transcript NM_001037.5 (MANE Select); 236 bases into the intron after coding-DNA position 448, C replaced by G.
Molecular consequence: intron variant. On other transcripts: nonsense (1).
Genome position (GRCh38, 1-based): chr19:35,033,975, C>G. VCF-style: chr19-35033975-C-G. GRCh37 (hg19) VCF-style: chr19-35524879-C-G.
Other names: c.684C>G, p.Tyr228Ter (NM_199037.5); c.349+236C>G (NM_001321605.2); short protein forms Y228*.
Identifiers: ClinVar variation 945109 (VCV000945109.10), dbSNP rs779470587, ClinGen allele CA405329632.